The following is an entry in ClinVar:

NM_000428.3(LTBP2):c.4246G>T (p.Gly1416Trp)

Gene: LTBP2 (latent transforming growth factor beta binding protein 2; minus strand). Cytogenetic location: 14q24.3.
Variant type: single nucleotide variant.
Coding change: c.4246G>T on transcript NM_000428.3 (MANE Select); coding-DNA position 4246, G replaced by T.
Protein change: p.Gly1416Trp; replaces glycine 1416 with tryptophan.
Molecular consequence: missense variant.
Genome position (GRCh38, 1-based): chr14:74,505,106, C>A on the plus strand (G>T on the coding strand, the complement: LTBP2 is on the minus strand). VCF-style: chr14-74505106-C-A. GRCh37 (hg19) VCF-style: chr14-74971809-C-A.
Other names: short protein forms G1416W.
Identifiers: ClinVar variation 4714550 (VCV004714550.1).
Genomic context (GRCh38, chr14:74,505,106, plus strand): 5'-ATTCAGCCTGTGTGGTGTTCCGGCCCAGGACACTGGAGCAGGGCGCATGGCCCTTCTGCC[C>A]GGAGTAGCAGTCCATGCGGGTGGGGGCCGGGGCATGGTCCCCCGTTGGGGCCTCAGACAT-3'
Protein context (NP_000419.1, residues 1406-1426): PAPTRMDCYS[Gly1416Trp]QKGHAPCSSV

ClinVar aggregate classification (germline): Uncertain significance (1 of 4 stars; one submission).

gnomAD v4.1: 1 of 1,613,870 alleles (0.000062%); no homozygotes.

Submission:

Labcorp Genetics (formerly Invitae), Labcorp
Classification: Uncertain significance. Last evaluated: 2025-03-06. Review status: criteria provided, single submitter. Criteria: Invitae Variant Classification Sherloc (09022015). Collection method: clinical testing. Allele origin: germline.
Comment: This sequence change replaces glycine, which is neutral and non-polar, with tryptophan, which is neutral and slightly polar, at codon 1416 of the LTBP2 protein (p.Gly1416Trp). This variant is not present in population databases (gnomAD no frequency). This variant has not been reported in the literature in individuals affected with LTBP2-related conditions. An algorithm developed to predict the effect of missense changes on protein structure and function (PolyPhen-2) suggests that this variant is likely to be disruptive. In summary, the available evidence is currently insufficient to determine the role of this variant in disease. Therefore, it has been classified as a Variant of Uncertain Significance.